The following is an entry in ClinVar:

NM_000038.6(APC):c.5213A>G (p.His1738Arg)

Gene: APC (APC regulator of Wnt signaling pathway; plus strand). Cytogenetic location: 5q22.2.
Variant type: single nucleotide variant.
Coding change: c.5213A>G on transcript NM_000038.6 (MANE Select); coding-DNA position 5213, A replaced by G.
Protein change: p.His1738Arg; replaces histidine 1738 with arginine.
Molecular consequence: missense variant.
Genome position (GRCh38, 1-based): chr5:112,840,807, A>G. VCF-style: chr5-112840807-A-G. GRCh37 (hg19) VCF-style: chr5-112176504-A-G.
Other names: c.5213A>G (NM_000038.5); c.5213A>G, p.His1738Arg (NM_001127510.3, NM_001354895.2); c.5159A>G, p.His1720Arg (NM_001127511.3); c.5267A>G, p.His1756Arg (NM_001354896.2); c.5243A>G, p.His1748Arg (NM_001354897.2); c.5138A>G, p.His1713Arg (NM_001354898.2); c.5129A>G, p.His1710Arg (NM_001354899.2); c.5090A>G, p.His1697Arg (NM_001354900.2); and 6 more; short protein forms H1455R, H1578R, H1612R, H1637R, H1647R, H1679R, H1697R, H1710R.
Identifiers: ClinVar variation 1062646 (VCV001062646.11), dbSNP rs149882057, ClinGen allele CA040983.

ClinVar aggregate classification (germline): Uncertain significance. Review status: criteria provided, multiple submitters, no conflicts (2 of 4 stars). 2 submissions from 2 submitters: Uncertain significance (2). Last evaluated 2025-10-28.

Conditions:
Hereditary cancer-predisposing syndrome. Also called: Hereditary Cancer Syndrome; Hereditary neoplastic syndrome; Neoplastic Syndromes, Hereditary; Tumor predisposition. Identifiers: Orphanet 140162, MedGen C0027672, MeSH D009386, MONDO:0015356.
Familial adenomatous polyposis 1 (FAP1). Also called: POLYPOSIS, ADENOMATOUS INTESTINAL; FAMILIAL ADENOMATOUS POLYPOSIS 1, ATTENUATED. Identifiers: MedGen C2713442, MONDO:0021056, OMIM 175100. Disease mechanism: loss of function.

Submissions (2):

Labcorp Genetics (formerly Invitae), Labcorp
Classification: Uncertain significance for Familial adenomatous polyposis 1. Last evaluated: 2025-10-28. Review status: criteria provided, single submitter. Criteria: Invitae Variant Classification Sherloc (09022015). Collection method: clinical testing. Allele origin: germline.
Comment: This sequence change replaces histidine, which is basic and polar, with arginine, which is basic and polar, at codon 1738 of the APC protein (p.His1738Arg). This variant is present in population databases (rs149882057, gnomAD 0.0009%). This variant has not been reported in the literature in individuals affected with APC-related conditions. ClinVar contains an entry for this variant (Variation ID: 1062646). Invitae Evidence Modeling of protein sequence and biophysical properties (such as structural, functional, and spatial information, amino acid conservation, physicochemical variation, residue mobility, and thermodynamic stability) indicates that this missense variant is not expected to disrupt APC protein function with a negative predictive value of 95%. In summary, the available evidence is currently insufficient to determine the role of this variant in disease. Therefore, it has been classified as a Variant of Uncertain Significance.

Ambry Genetics
Classification: Uncertain significance for Hereditary cancer-predisposing syndrome. Last evaluated: 2023-08-15. Review status: criteria provided, single submitter. Criteria: Ambry Variant Classification Scheme 2023. Collection method: clinical testing. Allele origin: germline.
Comment: The p.H1738R variant (also known as c.5213A>G), located in coding exon 15 of the APC gene, results from an A to G substitution at nucleotide position 5213. The histidine at codon 1738 is replaced by arginine, an amino acid with highly similar properties. This amino acid position is well conserved in available vertebrate species. In addition, in silico predictors for this gene do not accurately predict pathogenicity. Since supporting evidence is limited at this time, the clinical significance of this alteration remains unclear.